The following is an entry in ClinVar:

ClinVar aggregate classification (germline): Uncertain significance (1 of 4 stars; one submission).

Conditions:
Arginase deficiency. Also called: Arginase 1 Deficiency; ARGININEMIA; ARG1 DEFICIENCY. Identifiers: Orphanet 90, MedGen C0268548, MONDO:0008814, OMIM 207800.

Allele frequency attached by ClinVar (database versions not stated): TOPMed 0.00001; gnomAD exomes 0.00003; ExAC 0.00001; gnomAD 0.00001.
gnomAD v4.1: 50 of 1,614,016 alleles (0.0031%); highest among the groups gnomAD compares: Non-Finnish European, 0.004%; no homozygotes.

Submission:

Labcorp Genetics (formerly Invitae), Labcorp
Classification: Uncertain significance for Arginase deficiency. Last evaluated: 2021-09-24. Review status: criteria provided, single submitter. Criteria: Invitae Variant Classification Sherloc (09022015). Collection method: clinical testing. Allele origin: germline.
Comment: This sequence change replaces proline with serine at codon 242 of the ARG1 protein (p.Pro242Ser). The proline residue is highly conserved and there is a moderate physicochemical difference between proline and serine. This variant is present in population databases (rs765495464, ExAC 0.001%). This variant has not been reported in the literature in individuals with ARG1-related conditions. Algorithms developed to predict the effect of missense changes on protein structure and function (SIFT, PolyPhen-2, Align-GVGD) all suggest that this variant is likely to be disruptive, but these predictions have not been confirmed by published functional studies and their clinical significance is uncertain. In summary, the available evidence is currently insufficient to determine the role of this variant in disease. Therefore, it has been classified as a Variant of Uncertain Significance.

NM_000045.4(ARG1):c.724C>T (p.Pro242Ser)

Genes: ARG1 (arginase 1; plus strand), MED23 (mediator complex subunit 23; minus strand). Cytogenetic location: 6q23.2.
Variant type: single nucleotide variant.
Coding change: c.724C>T on transcript NM_000045.4 (MANE Select); coding-DNA position 724, C replaced by T.
Protein change: p.Pro242Ser; replaces proline 242 with serine.
Molecular consequence: missense variant. On other transcripts: non-coding transcript variant (1), intron variant (2).
Genome position (GRCh38, 1-based): chr6:131,583,413, C>T. VCF-style: chr6-131583413-C-T. GRCh37 (hg19) VCF-style: chr6-131904553-C-T.
Other names: c.748C>T, p.Pro250Ser (NM_001244438.2); c.469C>T, p.Pro157Ser (NM_001369020.1); c.4077+4296G>A (NM_001270521.2); c.4095+4296G>A (NM_015979.4); short protein forms P157S, P250S, P242S.
Identifiers: ClinVar variation 2198388 (VCV002198388.1), dbSNP rs765495464, ClinGen allele CA3999352.